The following is an entry in ClinVar:

ClinVar aggregate classification (germline): Uncertain significance (1 of 4 stars; one submission).

Allele frequency attached by ClinVar (database versions not stated): gnomAD exomes below 0.00001.

Submission:

Labcorp Genetics (formerly Invitae), Labcorp
Classification: Uncertain significance. Last evaluated: 2022-10-03. Review status: criteria provided, single submitter. Criteria: Invitae Variant Classification Sherloc (09022015). Collection method: clinical testing. Allele origin: germline.
Comment: In summary, the available evidence is currently insufficient to determine the role of this variant in disease. Therefore, it has been classified as a Variant of Uncertain Significance. This sequence change replaces threonine, which is neutral and polar, with alanine, which is neutral and non-polar, at codon 258 of the RECQL protein (p.Thr258Ala). This variant is not present in population databases (gnomAD no frequency). This variant has not been reported in the literature in individuals affected with RECQL-related conditions. ClinVar contains an entry for this variant (Variation ID: 1407181). Advanced modeling of protein sequence and biophysical properties (such as structural, functional, and spatial information, amino acid conservation, physicochemical variation, residue mobility, and thermodynamic stability) performed at Invitae indicates that this missense variant is expected to disrupt RECQL protein function. Algorithms developed to predict the effect of sequence changes on RNA splicing suggest that this variant may create or strengthen a splice site.

NM_002907.4(RECQL):c.772A>G (p.Thr258Ala)

Gene: RECQL (RecQ like helicase; minus strand). Cytogenetic location: 12p12.1.
Variant type: single nucleotide variant.
Coding change: c.772A>G on transcript NM_002907.4 (MANE Select); coding-DNA position 772, A replaced by G.
Protein change: p.Thr258Ala; replaces threonine 258 with alanine.
Molecular consequence: missense variant.
Genome position (GRCh38, 1-based): chr12:21,477,898, T>C on the plus strand (A>G on the coding strand, the complement: RECQL is on the minus strand). VCF-style: chr12-21477898-T-C. GRCh37 (hg19) VCF-style: chr12-21630832-T-C.
Other names: c.772A>G, p.Thr258Ala (NM_032941.3); short protein forms T258A.
Identifiers: ClinVar variation 1407181 (VCV001407181.6), dbSNP rs761706424, ClinGen allele CA233571121.
Genomic context (GRCh38, chr12:21,477,898, plus strand): 5'-TAAAAGTAAAACACTTTTCAATGCACAAAATTTTCTGAGCATCCGTCAAAACGTGATTTG[T>C]TGCAGTTGCAGTCAGCCCAATTAGTGATGCGTTAGGGAACTGCCGCTTTAAGATACCAAG-3'
Protein context (NP_002898.2, residues 248-268): ASLIGLTATA[Thr258Ala]NHVLTDAQKI